The following is an entry in ClinVar:

ClinVar aggregate classification (germline): Likely benign. Review status: criteria provided, single submitter (1 of 4 stars). 2 submissions from 2 submitters: Likely benign (1). 1 of the submissions does not count toward it. Last evaluated 2026-08-01.

Conditions:
TNRC6B-related disorder. Also called: TNRC6B-related condition.

Allele frequency attached by ClinVar (database versions not stated): gnomAD 0.00001; TOPMed 0.00001; ExAC 0.00012.
gnomAD v4.1: 76 of 1,613,368 alleles (0.0047%); highest among the groups gnomAD compares: South Asian, 0.054%; no homozygotes.

Submissions (2):

CeGaT Center for Human Genetics Tuebingen
Classification: Likely benign. Last evaluated: 2026-08-01. Review status: criteria provided, single submitter. Criteria: CeGaT Center For Human Genetics Tuebingen Variant Classification Criteria Version 2. Collection method: clinical testing. Allele origin: germline. Affected: yes. Observed: 2 variant alleles.
Comment: TNRC6B: BP4, BP7

PreventionGenetics, part of Exact Sciences
Classification: Likely benign for TNRC6B-related condition. Last evaluated: 2019-08-15. Review status: no assertion criteria provided. Collection method: clinical testing. Allele origin: germline. Not counted in ClinVar's aggregate classification.
Comment: This variant is classified as likely benign based on ACMG/AMP sequence variant interpretation guidelines (Richards et al. 2015 PMID: 25741868, with internal and published modifications).

NM_001162501.2(TNRC6B):c.2550C>T (p.Asn850=)

Gene: TNRC6B (trinucleotide repeat containing adaptor 6B; plus strand). Cytogenetic location: 22q13.1.
Variant type: single nucleotide variant.
Coding change: c.2550C>T on transcript NM_001162501.2 (MANE Select); coding-DNA position 2550, C replaced by T.
Protein change: p.Asn850=; no amino-acid change (asparagine 850 retained).
Molecular consequence: synonymous variant. On other transcripts: intron variant (1).
Genome position (GRCh38, 1-based): chr22:40,266,780, C>T. VCF-style: chr22-40266780-C-T. GRCh37 (hg19) VCF-style: chr22-40662784-C-T.
Other names: c.2550C>T (NM_001162501.1); c.2550C>T, p.Asn850= (NM_015088.3); c.566-3342C>T (NM_001024843.2).
Identifiers: ClinVar variation 2653178 (VCV002653178.25), dbSNP rs773708986, ClinGen allele CA10246848.